The following is an entry in ClinVar:

NM_004525.3(LRP2):c.10686C>T (p.Asp3562=)

Gene: LRP2 (LDL receptor related protein 2; minus strand). Cytogenetic location: 2q31.1.
Variant type: single nucleotide variant.
Coding change: c.10686C>T on transcript NM_004525.3 (MANE Select); coding-DNA position 10686, C replaced by T.
Protein change: p.Asp3562=; no amino-acid change (aspartic acid 3562 retained).
Molecular consequence: synonymous variant.
Genome position (GRCh38, 1-based): chr2:169,175,275, G>A on the plus strand (C>T on the coding strand, the complement: LRP2 is on the minus strand). VCF-style: chr2-169175275-G-A. GRCh37 (hg19) VCF-style: chr2-170031785-G-A.
Other names: c.10686C>T (NM_004525.2).
Identifiers: ClinVar variation 1591773 (VCV001591773.11), dbSNP rs1341528276, ClinGen allele CA429931680.

ClinVar aggregate classification (germline): Likely benign. Review status: criteria provided, multiple submitters, no conflicts (2 of 4 stars). 3 submissions from 3 submitters: Likely benign (3). Last evaluated 2025-03-31.

Conditions:
LRP2-related disorder. Also called: LRP2-related condition.

Allele frequency attached by ClinVar (database versions not stated): gnomAD exomes 0.00001; TOPMed 0.00001; gnomAD 0.00002.
gnomAD v4.1: 24 of 1,614,172 alleles (0.0015%); highest among the groups gnomAD compares: Middle Eastern, 0.049%; no homozygotes.

Submissions (3):

Labcorp Genetics (formerly Invitae), Labcorp
Classification: Likely benign. Last evaluated: 2025-03-31. Review status: criteria provided, single submitter. Criteria: Invitae Variant Classification Sherloc (09022015). Collection method: clinical testing. Allele origin: germline.

PreventionGenetics, part of Exact Sciences
Classification: Likely benign for LRP2-related condition. Last evaluated: 2024-12-12. Review status: criteria provided, single submitter. Criteria: ACMG Guidelines, 2015. Collection method: clinical testing. Allele origin: germline.
Comment: This variant is classified as likely benign based on ACMG/AMP sequence variant interpretation guidelines (Richards et al. 2015 PMID: 25741868, with internal and published modifications).

Blueprint Genetics
Classification: Likely benign. Last evaluated: 2024-09-23. Review status: criteria provided, single submitter. Criteria: ACMG Guidelines, 2015. Collection method: clinical testing. Allele origin: germline.